The following is an entry in ClinVar:

NM_014844.5(TECPR2):c.4085C>T (p.Thr1362Ile)

Gene: TECPR2 (tectonin beta-propeller repeat containing 2; plus strand). Cytogenetic location: 14q32.31.
Variant type: single nucleotide variant.
Coding change: c.4085C>T on transcript NM_014844.5 (MANE Select); coding-DNA position 4085, C replaced by T.
Protein change: p.Thr1362Ile; replaces threonine 1362 with isoleucine.
Molecular consequence: missense variant.
Genome position (GRCh38, 1-based): chr14:102,498,106, C>T. VCF-style: chr14-102498106-C-T. GRCh37 (hg19) VCF-style: chr14-102964443-C-T.
Other names: short protein forms T1362I.
Identifiers: ClinVar variation 1309855 (VCV001309855.6), dbSNP rs766050891, ClinGen allele CA7358469.

ClinVar aggregate classification (germline): Uncertain significance. Review status: criteria provided, multiple submitters, no conflicts (2 of 4 stars). 3 submissions from 3 submitters: Uncertain significance (3). Last evaluated 2022-06-06.

Conditions:
Hereditary spastic paraplegia 49 (HSAN9). Also called: NEUROPATHY, HEREDITARY SENSORY AND AUTONOMIC, TYPE IX, WITH DEVELOPMENTAL DELAY; Spastic paraplegia 49, autosomal recessive; TECPR2-Related Hereditary Sensory and Autonomic Neuropathy with Intellectual Disability. Identifiers: Orphanet 320385, MedGen C5190860, MONDO:0014016, OMIM 615031.
Hereditary spastic paraplegia. Also called: Familial spastic paraparesis. Identifiers: Orphanet 685, MedGen C0037773, MONDO:0019064. Disease mechanism: loss of function.

Allele frequency attached by ClinVar (database versions not stated): ExAC 0.00001; gnomAD 0.00001; gnomAD exomes 0.00001 and 0.00003; TOPMed 0.00001.
gnomAD v4.1: 50 of 1,612,990 alleles (0.0031%); highest among the groups gnomAD compares: Non-Finnish European, 0.0042%; no homozygotes.

Submissions (3):

Labcorp Genetics (formerly Invitae), Labcorp
Classification: Uncertain significance for Hereditary spastic paraplegia 49. Last evaluated: 2022-06-06. Review status: criteria provided, single submitter. Criteria: Invitae Variant Classification Sherloc (09022015). Collection method: clinical testing. Allele origin: germline.
Comment: This sequence change replaces threonine, which is neutral and polar, with isoleucine, which is neutral and non-polar, at codon 1362 of the TECPR2 protein (p.Thr1362Ile). This variant is present in population databases (rs766050891, gnomAD 0.004%). This variant has not been reported in the literature in individuals affected with TECPR2-related conditions. ClinVar contains an entry for this variant (Variation ID: 1309855). Algorithms developed to predict the effect of missense changes on protein structure and function are either unavailable or do not agree on the potential impact of this missense change (SIFT: "Deleterious"; PolyPhen-2: "Possibly Damaging"; Align-GVGD: "Class C0"). In summary, the available evidence is currently insufficient to determine the role of this variant in disease. Therefore, it has been classified as a Variant of Uncertain Significance.

GeneDx
Classification: Uncertain significance. Last evaluated: 2019-11-01. Review status: criteria provided, single submitter. Criteria: GeneDx Variant Classification Process June 2021. Collection method: clinical testing. Allele origin: germline. Affected: yes.
Comment: Not observed at a significant frequency in large population cohorts (Lek et al., 2016); In silico analysis, which includes protein predictors and evolutionary conservation, supports a deleterious effect; Has not been previously published as pathogenic or benign to our knowledge

Genome Diagnostics Laboratory, The Hospital for Sick Children
Classification: Uncertain significance for Hereditary spastic paraplegia. Last evaluated: 2016-12-12. Review status: criteria provided, single submitter. Criteria: ACMG Guidelines, 2015. Collection method: clinical testing. Allele origin: germline. Affected: yes.